The following is an entry in ClinVar:

ClinVar aggregate classification (germline): Likely benign. Review status: criteria provided, multiple submitters, no conflicts (2 of 4 stars). 2 submissions from 2 submitters: Likely benign (2). Last evaluated 2025-09-16.

Conditions:
RASopathy. Also called: rasopathies; Noonan spectrum disorder. Identifiers: Orphanet 536391, MedGen C5555857, MONDO:0021060.

Submissions (2):

Mayo Clinic Laboratories, Mayo Clinic
Classification: Likely benign. Last evaluated: 2025-09-16. Review status: criteria provided, single submitter. Criteria: ACMG Guidelines, 2015. Collection method: clinical testing. Allele origin: germline. Observed: 1 variant allele.
Comment: BP4, BP7, PM2_supporting

Labcorp Genetics (formerly Invitae), Labcorp
Classification: Likely benign for RASopathy. Last evaluated: 2024-02-21. Review status: criteria provided, single submitter. Criteria: Invitae Variant Classification Sherloc (09022015). Collection method: clinical testing. Allele origin: germline.

NM_030662.4(MAP2K2):c.237C>G (p.Gly79=)

Gene: MAP2K2 (mitogen-activated protein kinase kinase 2; minus strand). Cytogenetic location: 19p13.3.
Variant type: single nucleotide variant.
Coding change: c.237C>G on transcript NM_030662.4 (MANE Select); coding-DNA position 237, C replaced by G.
Protein change: p.Gly79=; no amino-acid change (glycine 79 retained).
Molecular consequence: synonymous variant.
Genome position (GRCh38, 1-based): chr19:4,117,485, G>C on the plus strand (C>G on the coding strand, the complement: MAP2K2 is on the minus strand). VCF-style: chr19-4117485-G-C. GRCh37 (hg19) VCF-style: chr19-4117483-G-C.
Other names: p.Gly79=.
Identifiers: ClinVar variation 3672683 (VCV003672683.3).
Genomic context (GRCh38, chr19:4,117,485, plus strand): 5'-GGCCATGATGAGGCCCGAGGGTCTGTGCTGGACTTTGGTGACCACCCCGCCGTTGCCCGC[G>C]CCCAGCTCTGAGATCCTTTCGAAGTCATCGTCTTTGAGTTCGCCGACCTTGGCTTTCTGG-3'
Protein context (NP_109587.1, residues 69-89): DDDFERISEL[Gly79=]AGNGGVVTKV